The following is an entry in ClinVar:

NM_000316.3(PTH1R):c.425-18C>G

Gene: PTH1R (parathyroid hormone 1 receptor; plus strand). Cytogenetic location: 3p21.31.
Variant type: single nucleotide variant.
Coding change: c.425-18C>G on transcript NM_000316.3 (MANE Select); 18 bases into the intron before coding-DNA position 425, C replaced by G.
Molecular consequence: intron variant.
Genome position (GRCh38, 1-based): chr3:46,898,056, C>G. VCF-style: chr3-46898056-C-G. GRCh37 (hg19) VCF-style: chr3-46939546-C-G.
Other names: c.425-18C>G (NM_001184744.1).
Identifiers: ClinVar variation 2991680 (VCV002991680.3), dbSNP rs1033299374, ClinGen allele CA73769035.

ClinVar aggregate classification (germline): Uncertain significance (1 of 4 stars; one submission).

Allele frequency attached by ClinVar (database versions not stated): gnomAD exomes below 0.00001; gnomAD 0.00001; TOPMed 0.00002.
gnomAD v4.1: 4 of 1,613,686 alleles (0.00025%); highest among the groups gnomAD compares: Admixed American, 0.0067%; no homozygotes.

Submission:

Labcorp Genetics (formerly Invitae), Labcorp
Classification: Uncertain significance. Last evaluated: 2025-01-07. Review status: criteria provided, single submitter. Criteria: Invitae Variant Classification Sherloc (09022015). Collection method: clinical testing. Allele origin: germline.
Comment: This sequence change falls in intron 6 of the PTH1R gene. It does not directly change the encoded amino acid sequence of the PTH1R protein. This variant is present in population databases (no rsID available, gnomAD 0.003%). This variant has not been reported in the literature in individuals affected with PTH1R-related conditions. ClinVar contains an entry for this variant (Variation ID: 2991680). Algorithms developed to predict the effect of sequence changes on RNA splicing suggest that this variant may disrupt the consensus splice site. In summary, the available evidence is currently insufficient to determine the role of this variant in disease. Therefore, it has been classified as a Variant of Uncertain Significance.